The following is an entry in ClinVar:

ClinVar aggregate classification (germline): Pathogenic (1 of 4 stars; one submission).

Conditions:
Ehlers-Danlos syndrome, dermatosparaxis type. Also called: EDS VIIC; Dermatosparaxis; Ehlers-Danlos syndrome, type VII, autosomal recessive. Identifiers: Orphanet 1901, MedGen C2700425, MONDO:0009161, OMIM 225410.

Submission:

Myriad Genetics, Inc.
Classification: Pathogenic for Ehlers-Danlos syndrome, dermatosparaxis type. Last evaluated: 2023-09-27. Review status: criteria provided, single submitter. Criteria: Myriad Autosomal Dominant, Autosomal Recessive and X-Linked Classification Criteria (2023). Collection method: clinical testing. Allele origin: unknown.
Comment: NM_014244.4(ADAMTS2):c.111dupC(R38Qfs*28) is expected to be pathogenic in the context of Ehlers-Danlos syndrome, ADAMTS2-related. This variant is predicted to lead to an abnormal or absent protein product due to the creation of a premature termination codon in ADAMTS2, a gene where loss-of-function variants are known to be pathogenic. Please note: this variant was assessed in the context of healthy population screening.

NM_014244.5(ADAMTS2):c.111dup (p.Arg38fs)

Gene: ADAMTS2 (ADAM metallopeptidase with thrombospondin type 1 motif 2; minus strand). Cytogenetic location: 5q35.3.
Variant type: Duplication.
Coding change: c.111dup on transcript NM_014244.5 (MANE Select); coding-DNA position 111, one base duplicated (C; older notation c.111dupC).
Protein change: p.Arg38fs; shifts the reading frame from arginine 38.
Molecular consequence: frameshift variant.
Genome position (GRCh38, 1-based): chr5:179,345,218, G duplicated on the plus strand (C on the coding strand, the reverse complement: ADAMTS2 is on the minus strand); the first of 2 consecutive G bases (chr5:179,345,218-179,345,219); duplicating either gives the same sequence. VCF-style (leftmost placement, unchanged base first): chr5-179345217-T-TG. GRCh37 (hg19) VCF-style: chr5-178772218-T-TG.
Other names: c.111dup, p.Arg38fs (NM_021599.4); short protein forms R38fs.
Identifiers: ClinVar variation 5012292 (VCV005012292.1).